The following is an entry in ClinVar:

ClinVar aggregate classification (germline): Uncertain significance (1 of 4 stars; one submission).

Conditions:
Cardiovascular phenotype. Identifiers: MedGen CN230736.

gnomAD v4.1: 2 of 1,613,670 alleles (0.00012%); highest among the groups gnomAD compares: Non-Finnish European, 0.00017%; no homozygotes.

Submission:

Ambry Genetics
Classification: Uncertain significance for Cardiovascular phenotype. Last evaluated: 2025-06-10. Review status: criteria provided, single submitter. Criteria: Ambry Variant Classification Scheme 2023. Collection method: clinical testing. Allele origin: germline.
Comment: The p.I1019N variant (also known as c.3056T>A), located in coding exon 13 of the MYPN gene, results from a T to A substitution at nucleotide position 3056. The isoleucine at codon 1019 is replaced by asparagine, an amino acid with dissimilar properties. This amino acid position is conserved. In addition, the in silico prediction for this alteration is inconclusive. Based on the available evidence, the clinical significance of this variant remains unclear.

NM_032578.4(MYPN):c.3056T>A (p.Ile1019Asn)

Genes: MYPN (myopalladin; plus strand), LOC132089829 (Neanderthal introgressed variant-containing enhancer experimental_16132; plus strand). Cytogenetic location: 10q21.3.
Variant type: single nucleotide variant.
Coding change: c.3056T>A on transcript NM_032578.4 (MANE Select); coding-DNA position 3056, T replaced by A.
Protein change: p.Ile1019Asn; replaces isoleucine 1019 with asparagine.
Molecular consequence: missense variant. On other transcripts: non-coding transcript variant (2).
Genome position (GRCh38, 1-based): chr10:68,194,493, T>A. VCF-style: chr10-68194493-T-A. GRCh37 (hg19) VCF-style: chr10-69954250-T-A.
Other names: c.3056T>A, p.Ile1019Asn (NM_001256267.2); c.2174T>A, p.Ile725Asn (NM_001256268.2); short protein forms I725N, I1019N.
Identifiers: ClinVar variation 3916696 (VCV003916696.1).